The following is an entry in ClinVar:

NM_001370259.2(MEN1):c.381C>G (p.Asn127Lys)

Gene: MEN1 (menin 1; minus strand). Cytogenetic location: 11q13.1.
Variant type: single nucleotide variant.
Coding change: c.381C>G on transcript NM_001370259.2 (MANE Select); coding-DNA position 381, C replaced by G.
Protein change: p.Asn127Lys; replaces asparagine 127 with lysine.
Molecular consequence: missense variant.
Genome position (GRCh38, 1-based): chr11:64,809,729, G>C on the plus strand (C>G on the coding strand, the complement: MEN1 is on the minus strand). VCF-style: chr11-64809729-G-C. GRCh37 (hg19) VCF-style: chr11-64577201-G-C.
Other names: c.381C>G, p.Asn127Lys (NM_000244.4, NM_001370251.2, NM_001370260.2 and 9 more transcripts); c.381C>G (NM_130799.2); short protein forms N127K.
Identifiers: ClinVar variation 1021057 (VCV001021057.10), dbSNP rs1941981145, ClinGen allele CA381187282.

ClinVar aggregate classification (germline): Uncertain significance. Review status: criteria provided, multiple submitters, no conflicts (2 of 4 stars). 2 submissions from 2 submitters: Uncertain significance (2). Last evaluated 2025-01-23.

Conditions:
Multiple endocrine neoplasia, type 1 (MEN1). Also called: Endocrine adenomatosis multiple; MEN 1; WERMER SYNDROME; MEA I; MEN I. Identifiers: Orphanet 652, MedGen C0025267, MeSH D018761, MONDO:0007540, OMIM 131100.
Hereditary cancer-predisposing syndrome. Also called: Hereditary neoplastic syndrome; Neoplastic Syndromes, Hereditary; Tumor predisposition; Hereditary Cancer Syndrome. Identifiers: Orphanet 140162, MedGen C0027672, MeSH D009386, MONDO:0015356.

Submissions (2):

Ambry Genetics
Classification: Uncertain significance for Hereditary cancer-predisposing syndrome. Last evaluated: 2025-01-23. Review status: criteria provided, single submitter. Criteria: Ambry Variant Classification Scheme 2023. Collection method: clinical testing. Allele origin: germline.
Comment: The p.N127K variant (also known as c.381C>G), located in coding exon 1 of the MEN1 gene, results from a C to G substitution at nucleotide position 381. The asparagine at codon 127 is replaced by lysine, an amino acid with similar properties. This amino acid position is highly conserved in available vertebrate species. In addition, the in silico prediction for this alteration is inconclusive. Based on the available evidence, the clinical significance of this variant remains unclear.

Labcorp Genetics (formerly Invitae), Labcorp
Classification: Uncertain significance for Multiple endocrine neoplasia, type 1. Last evaluated: 2020-02-03. Review status: criteria provided, single submitter. Criteria: Invitae Variant Classification Sherloc (09022015). Collection method: clinical testing. Allele origin: germline.
Comment: Algorithms developed to predict the effect of missense changes on protein structure and function are either unavailable or do not agree on the potential impact of this missense change (SIFT: "Deleterious"; PolyPhen-2: "Possibly Damaging"; Align-GVGD: "Class C0"). This variant has not been reported in the literature in individuals with MEN1-related conditions. This variant is not present in population databases (ExAC no frequency). This sequence change replaces asparagine with lysine at codon 127 of the MEN1 protein (p.Asn127Lys). The asparagine residue is highly conserved and there is a moderate physicochemical difference between asparagine and lysine. In summary, the available evidence is currently insufficient to determine the role of this variant in disease. Therefore, it has been classified as a Variant of Uncertain Significance.